The following is an entry in ClinVar:

NM_004429.5(EFNB1):c.724G>T (p.Ala242Ser)

Gene: EFNB1 (ephrin B1; plus strand). Cytogenetic location: Xq13.1.
Variant type: single nucleotide variant.
Coding change: c.724G>T on transcript NM_004429.5 (MANE Select); coding-DNA position 724, G replaced by T.
Protein change: p.Ala242Ser; replaces alanine 242 with serine.
Molecular consequence: missense variant.
Genome position (GRCh38, 1-based): chrX:68,840,337, G>T. VCF-style: chrX-68840337-G-T. GRCh37 (hg19) VCF-style: chrX-68060180-G-T.
Other names: short protein forms A242S.
Identifiers: ClinVar variation 4882261 (VCV004882261.2).

ClinVar aggregate classification (germline): Uncertain significance (1 of 4 stars; one submission).

Submission:

Dasa
Classification: Uncertain significance. Last evaluated: 2025-09-09. Review status: criteria provided, single submitter. Criteria: DASA Assertion Criteria. Collection method: clinical testing. Allele origin: germline.
Comment: NM_004429.5(EFNB1):c.724G>T (p.Ala242Ser) is a missense variant that results in the substitution of alanine with serine. This variant is rare in population databases. The currently available literature and clinical evidence are not sufficient to establish a definitive association between this variant and the reported condition. Therefore, this variant is classified as a variant of uncertain significance.